The following is an entry in ClinVar:

NM_052947.4(ALPK2):c.1979C>T (p.Thr660Ile)

Gene: ALPK2 (alpha kinase 2; minus strand). Cytogenetic location: 18q21.31.
Variant type: single nucleotide variant.
Coding change: c.1979C>T on transcript NM_052947.4 (MANE Select); coding-DNA position 1979, C replaced by T.
Protein change: p.Thr660Ile; replaces threonine 660 with isoleucine.
Molecular consequence: missense variant.
Genome position (GRCh38, 1-based): chr18:58,538,208, G>A on the plus strand (C>T on the coding strand, the complement: ALPK2 is on the minus strand). VCF-style: chr18-58538208-G-A. GRCh37 (hg19) VCF-style: chr18-56205440-G-A.
Other names: short protein forms T660I.
Identifiers: ClinVar variation 2561789 (VCV002561789.2), dbSNP rs2518878301, ClinGen allele CA402571971.

ClinVar aggregate classification (germline): Uncertain significance (1 of 4 stars; one submission).

Submission:

Ambry Genetics
Classification: Uncertain significance. Last evaluated: 2023-04-18. Review status: criteria provided, single submitter. Criteria: Ambry Variant Classification Scheme 2023. Collection method: clinical testing. Allele origin: germline.
Comment: The p.T660I variant (also known as c.1979C>T), located in coding exon 4 of the ALPK2 gene, results from a C to T substitution at nucleotide position 1979. The threonine at codon 660 is replaced by isoleucine, an amino acid with similar properties. This amino acid position is conserved. In addition, this alteration is predicted to be tolerated by in silico analysis. Since supporting evidence is limited at this time, the clinical significance of this alteration remains unclear.